The following is an entry in ClinVar:

ClinVar aggregate classification (germline): Likely pathogenic (1 of 4 stars; one submission).

Conditions:
Microcephaly, normal intelligence and immunodeficiency (NBS). Also called: SEEMANOVA SYNDROME II; Ataxia telangiectasia variant V1; Nijmegen breakage syndrome; IMMUNODEFICIENCY, MICROCEPHALY, AND CHROMOSOMAL INSTABILITY; Immunodeficiency, microcephaly with normal intelligence; Microcephaly with normal intelligence immunodeficiency and lymphoreticular malignancies. Identifiers: Orphanet 647, MedGen C0398791, MONDO:0009623, OMIM 251260.

Submission:

Labcorp Genetics (formerly Invitae), Labcorp
Classification: Likely pathogenic for Microcephaly, normal intelligence and immunodeficiency. Last evaluated: 2025-10-06. Review status: criteria provided, single submitter. Criteria: Invitae Variant Classification Sherloc (09022015). Collection method: clinical testing. Allele origin: germline.
Comment: This sequence change affects a splice site in intron 10 of the NBN gene. It is expected to disrupt RNA splicing. Variants that disrupt the donor or acceptor splice site typically lead to a loss of protein function (PMID: 16199547), and loss-of-function variants in NBN are known to be pathogenic (PMID: 9590180, 16415040). Information on the frequency of this variant in the gnomAD database is not available, as this variant may be reported differently in the database. This variant has not been reported in the literature in individuals affected with NBN-related conditions. ClinVar contains an entry for this variant (Variation ID: 2900758). In summary, the currently available evidence indicates that the variant is pathogenic, but additional data are needed to prove that conclusively. Therefore, this variant has been classified as Likely Pathogenic.

Literature cited by the submitters: PubMed 16199547; PubMed 9590180; PubMed 16415040.

NM_002485.5(NBN):c.1397+1_1397+3delinsACA

Gene: NBN (nibrin; minus strand). Cytogenetic location: 8q21.3.
Variant type: Indel.
Coding change: c.1397+1_1397+3delinsACA on transcript NM_002485.5 (MANE Select); the canonical splice donor site of the intron after coding-DNA position 1397 through 3 bases into the intron after coding-DNA position 1397, GTC replaced by ACA.
Molecular consequence: splice donor variant.
Genome position (GRCh38, 1-based): chr8:89,955,280-89,955,282, GAC replaced by TGT on the plus strand (GTC replaced by ACA on the coding strand, the reverse complement: NBN is on the minus strand). VCF-style: chr8-89955280-GAC-TGT. GRCh37 (hg19) VCF-style: chr8-90967508-GAC-TGT.
Other names: c.1151+1_1151+3delinsACA (NM_001024688.3).
Identifiers: ClinVar variation 2900758 (VCV002900758.3), dbSNP rs2488242045, ClinGen allele CA2739268864.